The following is an entry in ClinVar:

ClinVar aggregate classification (germline): Benign/Likely benign. Review status: criteria provided, multiple submitters, no conflicts (2 of 4 stars). 3 submissions from 3 submitters: Benign (1); Likely benign (1). 1 of the submissions does not count toward it. Last evaluated 2025-07-30.

Conditions:
NRIP1-related disorder. Also called: NRIP1-related condition.

Allele frequency attached by ClinVar (database versions not stated): gnomAD exomes 0.00012; ExAC 0.00045; gnomAD 0.00150; ESP Exome Variant Server 0.00161; 1000 Genomes Project 30x 0.00187; 1000 Genomes Project 0.00200; TOPMed 0.00224.
gnomAD v4.1: 426 of 1,613,444 alleles (0.026%); highest among the groups gnomAD compares: African/African-American, 0.42%; 1 homozygote.

Submissions (3):

Labcorp Genetics (formerly Invitae), Labcorp
Classification: Benign. Last evaluated: 2025-07-30. Review status: criteria provided, single submitter. Criteria: Invitae Variant Classification Sherloc (09022015). Collection method: clinical testing. Allele origin: germline.

Blueprint Genetics
Classification: Likely benign. Last evaluated: 2024-02-20. Review status: criteria provided, single submitter. Criteria: ACMG Guidelines, 2015. Collection method: clinical testing. Allele origin: germline.

PreventionGenetics, part of Exact Sciences
Classification: Likely benign for NRIP1-related condition. Last evaluated: 2024-06-06. Review status: no assertion criteria provided. Collection method: clinical testing. Allele origin: germline. Not counted in ClinVar's aggregate classification.
Comment: This variant is classified as likely benign based on ACMG/AMP sequence variant interpretation guidelines (Richards et al. 2015 PMID: 25741868, with internal and published modifications).

NM_003489.4(NRIP1):c.3330T>C (p.Pro1110=)

Gene: NRIP1 (nuclear receptor interacting protein 1; minus strand). Cytogenetic location: 21q11.2.
Variant type: single nucleotide variant.
Coding change: c.3330T>C on transcript NM_003489.4 (MANE Select); coding-DNA position 3330, T replaced by C.
Protein change: p.Pro1110=; no amino-acid change (proline 1110 retained).
Molecular consequence: synonymous variant.
Genome position (GRCh38, 1-based): chr21:14,964,863, A>G on the plus strand (T>C on the coding strand, the complement: NRIP1 is on the minus strand). VCF-style: chr21-14964863-A-G. GRCh37 (hg19) VCF-style: chr21-16337184-A-G.
Other names: c.3330T>C (NM_003489.3).
Identifiers: ClinVar variation 2764482 (VCV002764482.5), dbSNP rs61733442, ClinGen allele CA9980986.